The following is an entry in ClinVar:

ClinVar aggregate classification (germline): Uncertain significance (1 of 4 stars; one submission).

Conditions:
Periodic fever-infantile enterocolitis-autoinflammatory syndrome. Also called: Autoinflammation with infantile enterocolitis. Identifiers: Orphanet 436166, MedGen C4015067, MONDO:0014472, OMIM 616050.
Familial cold autoinflammatory syndrome 4 (FCAS4). Identifiers: Orphanet 47045, Orphanet 576349, MedGen C4015276, MONDO:0014498, OMIM 616115.

gnomAD v4.1: 3 of 1,614,218 alleles (0.00019%); highest among the groups gnomAD compares: Non-Finnish European, 0.00025%; no homozygotes.

Submission:

Labcorp Genetics (formerly Invitae), Labcorp
Classification: Uncertain significance for Periodic fever-infantile enterocolitis-autoinflammatory syndrome; Familial cold autoinflammatory syndrome 4. Last evaluated: 2024-05-27. Review status: criteria provided, single submitter. Criteria: Invitae Variant Classification Sherloc (09022015). Collection method: clinical testing. Allele origin: germline.
Comment: This sequence change replaces lysine, which is basic and polar, with methionine, which is neutral and non-polar, at codon 45 of the NLRC4 protein (p.Lys45Met). This variant is present in population databases (rs775232842, gnomAD 0.002%). This variant has not been reported in the literature in individuals affected with NLRC4-related conditions. An algorithm developed to predict the effect of missense changes on protein structure and function (PolyPhen-2) suggests that this variant is likely to be disruptive. In summary, the available evidence is currently insufficient to determine the role of this variant in disease. Therefore, it has been classified as a Variant of Uncertain Significance.

NM_001199138.2(NLRC4):c.134A>T (p.Lys45Met)

Gene: NLRC4 (NLR family CARD domain containing 4; minus strand). Cytogenetic location: 2p22.3.
Variant type: single nucleotide variant.
Coding change: c.134A>T on transcript NM_001199138.2 (MANE Select); coding-DNA position 134, A replaced by T.
Protein change: p.Lys45Met; replaces lysine 45 with methionine.
Molecular consequence: missense variant.
Genome position (GRCh38, 1-based): chr2:32,252,547, T>A on the plus strand (A>T on the coding strand, the complement: NLRC4 is on the minus strand). VCF-style: chr2-32252547-T-A. GRCh37 (hg19) VCF-style: chr2-32477616-T-A.
Other names: c.134A>T, p.Lys45Met (NM_021209.5, NM_001199139.2, NM_001302504.2); short protein forms K45M.
Identifiers: ClinVar variation 3749664 (VCV003749664.2).